The following is an entry in ClinVar:

NM_000718.4(CACNA1B):c.254G>T (p.Arg85Leu)

Genes: CACNA1B (calcium voltage-gated channel subunit alpha1 B; plus strand), CACNA1B-AS2 (CACNA1B antisense RNA 2; minus strand). Cytogenetic location: 9q34.3.
Variant type: single nucleotide variant.
Coding change: c.254G>T on transcript NM_000718.4 (MANE Select); coding-DNA position 254, G replaced by T.
Protein change: p.Arg85Leu; replaces arginine 85 with leucine.
Molecular consequence: missense variant.
Genome position (GRCh38, 1-based): chr9:137,878,187, G>T. VCF-style: chr9-137878187-G-T. GRCh37 (hg19) VCF-style: chr9-140772639-G-T.
Other names: c.254G>T, p.Arg85Leu (NM_001243812.2); short protein forms R85L.
Identifiers: ClinVar variation 3389893 (VCV003389893.14).

ClinVar aggregate classification (germline): Uncertain significance (1 of 4 stars; one submission).

Submission:

CeGaT Center for Human Genetics Tuebingen
Classification: Uncertain significance. Last evaluated: 2024-10-01. Review status: criteria provided, single submitter. Criteria: CeGaT Center For Human Genetics Tuebingen Variant Classification Criteria Version 2. Collection method: clinical testing. Allele origin: germline. Affected: yes. Observed: 1 variant allele.
Comment: CACNA1B: PM2, PP3